The following is an entry in ClinVar:

ClinVar aggregate classification (germline): Pathogenic (1 of 4 stars; one submission).

Submission:

GeneDx
Classification: Pathogenic. Last evaluated: 2022-08-16. Review status: criteria provided, single submitter. Criteria: GeneDx Variant Classification Process June 2021. Collection method: clinical testing. Allele origin: germline. Affected: yes.
Comment: Canonical splice site variant expected to result in aberrant splicing, although in the absence of functional evidence the actual effect of this sequence change is unknown.; Not observed in large population cohorts (gnomAD); Has not been previously published as pathogenic or benign to our knowledge

NM_014491.4(FOXP2):c.1266+1G>C

Gene: FOXP2 (forkhead box P2; plus strand). Cytogenetic location: 7q31.1.
Variant type: single nucleotide variant.
Coding change: c.1266+1G>C on transcript NM_014491.4 (MANE Select); the canonical splice donor site of the intron after coding-DNA position 1266, G replaced by C.
Molecular consequence: splice donor variant. On other transcripts: missense variant (2).
Genome position (GRCh38, 1-based): chr7:114,654,010, G>C. VCF-style: chr7-114654010-G-C. GRCh37 (hg19) VCF-style: chr7-114294065-G-C.
Other names: c.1342G>C, p.Val448Leu (NM_001172767.2); c.1267G>C, p.Val423Leu (NM_148899.3); c.1341+1G>C (NM_148898.4); c.1317+1G>C (NM_148900.4); c.1263+1G>C (NM_001172766.3); short protein forms V423L, V448L.
Identifiers: ClinVar variation 1702645 (VCV001702645.2), dbSNP rs2129338694, ClinGen allele CA368964553.